The following is an entry in ClinVar:

NM_000059.4(BRCA2):c.5219del (p.Tyr1739_Leu1740insTer)

Gene: BRCA2 (BRCA2 DNA repair associated; plus strand). Cytogenetic location: 13q13.1.
Variant type: Deletion.
Coding change: c.5219del on transcript NM_000059.4 (MANE Select); coding-DNA position 5219, one base deleted (T; older notation c.5219delT).
Protein change: p.Tyr1739_Leu1740insTer.
Molecular consequence: nonsense.
Genome position (GRCh38, 1-based): chr13:32,339,574, T deleted; the last of 3 consecutive T bases (chr13:32,339,572-32,339,574); deleting any one gives the same sequence. VCF-style (leftmost placement, unchanged base first): chr13-32339571-AT-A. GRCh37 (hg19) VCF-style: chr13-32913708-AT-A.
Other names: 5447delT (Stop1740); c.5219delT (NM_000059.3).
Identifiers: ClinVar variation 266865 (VCV000266865.17), dbSNP rs886040582, ClinGen allele CA10589302.
Genomic context (GRCh38, chr13:32,339,571, plus strand): 5'-ATTCAAACAGTACTATAGCTGAAAATGACAAAAATCATCTCTCCGAAAAACAAGATACTT[AT>A]TTAAGTAACAGTAGCATGTCTAACAGCTATTCCTACCATTCTGATGAGGTATATAATGAT-3'

ClinVar aggregate classification (germline): Pathogenic. Review status: reviewed by expert panel (3 of 4 stars). 9 submissions from 9 submitters: Pathogenic (1). 8 of the submissions do not count toward it. Last evaluated 2016-10-18.

Conditions:
Breast-ovarian cancer, familial, susceptibility to, 2 (BROVCA2). Also called: BRCA2 Hereditary Breast and Ovarian Cancer. Identifiers: Orphanet 145, MedGen C2675520, MONDO:0012933, OMIM 612555. Disease mechanism: loss of function.
Hereditary cancer-predisposing syndrome. Also called: Hereditary neoplastic syndrome; Neoplastic Syndromes, Hereditary; Tumor predisposition; Hereditary Cancer Syndrome. Identifiers: Orphanet 140162, MedGen C0027672, MeSH D009386, MONDO:0015356.
Hereditary breast ovarian cancer syndrome. Also called: BRCA1- and BRCA2-Associated Hereditary Breast and Ovarian Cancer; Hereditary breast and ovarian cancer; Breast and ovarian cancer; Hereditary breast and/or ovarian cancer syndrome; Hereditary breast and ovarian cancer syndrome; Hereditary breast and ovarian cancer syndrome (HBOC). Identifiers: Orphanet 145, MedGen C0677776, MeSH D061325, MONDO:0003582. Disease mechanism: loss of function.

Submissions (9):

Evidence-based Network for the Interpretation of Germline Mutant Alleles (ENIGMA)
Classification: Pathogenic for Breast-ovarian cancer, familial, susceptibility to, 2. Last evaluated: 2016-10-18. Review status: reviewed by expert panel. Criteria: ENIGMA BRCA1/2 Classification Criteria (2015). Collection method: curation. Allele origin: germline.
Comment: Variant allele predicted to encode a truncated non-functional protein.

Center for Genomic Medicine, Rigshospitalet, Copenhagen University Hospital
Classification: Pathogenic. Last evaluated: 2025-12-29. Review status: criteria provided, single submitter. Criteria: ACMG Guidelines, 2015. Collection method: clinical testing. Allele origin: germline. Not counted in ClinVar's aggregate classification.
Comment: Classification criteria: PVS1, PM5_Strong, PM2_Supporting

Department of Clinical Genetics, Copenhagen University Hospital, Rigshospitalet
Classification: Pathogenic for Breast-ovarian cancer, familial, susceptibility to, 2. Last evaluated: 2024-05-27. Review status: criteria provided, single submitter. Criteria: ACMG Guidelines, 2015. Collection method: clinical testing. Allele origin: germline. Affected: yes. Not counted in ClinVar's aggregate classification.
Comment: PVS1; PM2_supporting; PM5_PTC_Strong

Clinical Genetics Laboratory, Skane University Hospital Lund
Classification: Pathogenic. Last evaluated: 2022-05-27. Review status: criteria provided, single submitter. Criteria: ACMG Guidelines, 2015. Collection method: clinical testing. Allele origin: germline. Affected: yes. Not counted in ClinVar's aggregate classification.

Labcorp Genetics (formerly Invitae), Labcorp
Classification: Pathogenic for Hereditary breast ovarian cancer syndrome. Last evaluated: 2020-10-05. Review status: criteria provided, single submitter. Criteria: Invitae Variant Classification Sherloc (09022015). Collection method: clinical testing. Allele origin: germline. Not counted in ClinVar's aggregate classification.
Comment: For these reasons, this variant has been classified as Pathogenic. This sequence change creates a premature translational stop signal (p.Leu1740*) in the BRCA2 gene. It is expected to result in an absent or disrupted protein product. This variant is not present in population databases (ExAC no frequency). This variant has not been reported in the literature in individuals with a BRCA2-related disease. ClinVar contains an entry for this variant (Variation ID: 24256099). Loss-of-function variants in BRCA2 are known to be pathogenic (PMID: 20104584).

Color Diagnostics, LLC DBA Color Health
Classification: Pathogenic for Hereditary cancer-predisposing syndrome. Last evaluated: 2020-09-15. Review status: criteria provided, single submitter. Criteria: ACMG Guidelines, 2015. Collection method: clinical testing. Allele origin: germline. Not counted in ClinVar's aggregate classification.
Comment: This variant deletes 1 nucleotide in exon 11 of the BRCA2 gene, creating a frameshift and premature translation stop signal. This variant is expected to result in an absent or non-functional protein product. To our knowledge, this variant has not been reported in individuals affected with hereditary cancer in the literature. This variant has not been identified in the general population by the Genome Aggregation Database (gnomAD). Loss of BRCA2 function is a known mechanism of disease. Based on the available evidence, this variant is classified as Pathogenic.

Laboratory for Molecular Medicine, Mass General Brigham Personalized Medicine
Classification: Pathogenic for Hereditary breast ovarian cancer syndrome. Last evaluated: 2020-06-19. Review status: criteria provided, single submitter. Criteria: ACMG Guidelines, 2015. Collection method: clinical testing. Allele origin: germline. Not counted in ClinVar's aggregate classification.
Comment: The c.5219delT (p.Leu1740X) variant in BRCA2 has not been reported in the literature in individuals with a BRCA2-related disease and has not been identified in population studies. This variant was classified as pathogenic on Septmeber 08, 2016 by the ClinGen-approved ENIGMA expert panel (ClinVar SCV000324325.1). This nonsense variant leads to a premature termination codon at position 1740, which is predicted to lead to a truncated or absent protein. Loss of function of the BRCA2 gene is an established disease mechanism in autosomal dominant HBOC. Additionally, another variant that leads to the same amino acid change c.5219T>C (p.Leu1740X) has been identified in an individual with breast cancer and segregated with 3 affected family members (Pascal Demba Diop 2019 PMID: 31060517). In summary, this variant meets criteria to be classified as pathogenic for autosomal dominant HBOC. ACMG/AMP Criteria applied: PVS1, PM2, PM5.

Consortium of Investigators of Modifiers of BRCA1/2 (CIMBA), c/o University of Cambridge
Classification: Pathogenic for Breast-ovarian cancer, familial, susceptibility to, 2. Last evaluated: 2015-10-02. Review status: criteria provided, single submitter. Criteria: CIMBA Mutation Classification guidelines May 2016. Collection method: clinical testing. Allele origin: germline. Not counted in ClinVar's aggregate classification.

BRCAlab, Lund University
Classification: Pathogenic for Breast-ovarian cancer, familial, susceptibility to, 2. Last evaluated: 2020-03-02. Review status: no assertion criteria provided. Collection method: clinical testing. Allele origin: germline. Affected: yes. Not counted in ClinVar's aggregate classification.

Literature cited by the submitters: PubMed 31060517 (cited by Center for Genomic Medicine, Rigshospitalet, Copenhagen University Hospital and Laboratory for Molecular Medicine, Mass General Brigham Personalized Medicine); PubMed 20104584 (cited by Labcorp Genetics (formerly Invitae), Labcorp).